The following is an entry in ClinVar:

NM_016169.4(SUFU):c.1296+1639T>G

Gene: SUFU (SUFU negative regulator of hedgehog signaling; plus strand). Cytogenetic location: 10q24.32.
Variant type: single nucleotide variant.
Coding change: c.1296+1639T>G on transcript NM_016169.4 (MANE Select); 1639 bases into the intron after coding-DNA position 1296, T replaced by G.
Molecular consequence: intron variant. On other transcripts: missense variant (1).
Genome position (GRCh38, 1-based): chr10:102,619,067, T>G. VCF-style: chr10-102619067-T-G. GRCh37 (hg19) VCF-style: chr10-104378824-T-G.
Other names: c.1298T>G, p.Leu433Arg (NM_001178133.2); short protein forms L433R.
Identifiers: ClinVar variation 5030431 (VCV005030431.1).

ClinVar aggregate classification (germline): Uncertain significance (1 of 4 stars; one submission).

Conditions:
Hereditary cancer-predisposing syndrome. Also called: Neoplastic Syndromes, Hereditary; Tumor predisposition; Hereditary neoplastic syndrome; Hereditary Cancer Syndrome. Identifiers: Orphanet 140162, MedGen C0027672, MeSH D009386, MONDO:0015356.

gnomAD v4.1: 2 of 1,612,578 alleles (0.00012%); highest among the groups gnomAD compares: African/African-American, 0.0027%; no homozygotes.

Submission:

Ambry Genetics
Classification: Uncertain significance for Hereditary cancer-predisposing syndrome. Last evaluated: 2026-07-06. Review status: criteria provided, single submitter. Criteria: Ambry Variant Classification Scheme 2023. Collection method: clinical testing. Allele origin: germline.
Comment: The p.L433R variant (also known as c.1298T>G), located in coding exon 11 of the SUFU gene, results from a T to G substitution at nucleotide position 1298. The leucine at codon 433 is replaced by arginine, an amino acid with dissimilar properties. This amino acid position is conserved. In addition, this alteration is predicted to be tolerated by in silico analysis. Based on the available evidence, the clinical significance of this variant remains unclear.